The following is an entry in ClinVar:

NM_005476.7(GNE):c.1766C>G (p.Ala589Gly)

Gene: GNE (glucosamine (UDP-N-acetyl)-2-epimerase/N-acetylmannosamine kinase; minus strand). Cytogenetic location: 9p13.3.
Variant type: single nucleotide variant.
Coding change: c.1766C>G on transcript NM_005476.7 (MANE Select); coding-DNA position 1766, C replaced by G.
Protein change: p.Ala589Gly; replaces alanine 589 with glycine.
Molecular consequence: missense variant.
Genome position (GRCh38, 1-based): chr9:36,219,888, G>C on the plus strand (C>G on the coding strand, the complement: GNE is on the minus strand). VCF-style: chr9-36219888-G-C. GRCh37 (hg19) VCF-style: chr9-36219885-G-C.
Other names: c.1589C>G, p.Ala530Gly (NM_001374798.1, NM_001190388.2); c.1859C>G, p.Ala620Gly (NM_001128227.3); c.1544C>G, p.Ala515Gly (NM_001190383.3); c.1436C>G, p.Ala479Gly (NM_001190384.3); c.1613C>G, p.Ala538Gly (NM_001374797.1); short protein forms A479G, A515G, A530G, A538G, A589G, A620G.
Identifiers: ClinVar variation 3364494 (VCV003364494.1).

ClinVar aggregate classification (germline): Uncertain significance (1 of 4 stars; one submission).

Submission:

GeneDx
Classification: Uncertain significance. Last evaluated: 2023-11-25. Review status: criteria provided, single submitter. Criteria: GeneDx Variant Classification Process June 2021. Collection method: clinical testing. Allele origin: germline. Affected: yes.
Comment: Not observed at significant frequency in large population cohorts (gnomAD); In silico analysis supports that this missense variant does not alter protein structure/function; Has not been previously published as pathogenic or benign to our knowledge; This variant is associated with the following publications: (PMID: 24796702)